The following is an entry in ClinVar:

ClinVar aggregate classification (germline): Uncertain significance (1 of 4 stars; one submission).

Submission:

GeneDx
Classification: Uncertain significance. Last evaluated: 2022-07-05. Review status: criteria provided, single submitter. Criteria: GeneDx Variant Classification Process June 2021. Collection method: clinical testing. Allele origin: germline. Affected: yes.
Comment: Not observed at significant frequency in large population cohorts (gnomAD); In silico analysis supports that this missense variant has a deleterious effect on protein structure/function; Has not been previously published as pathogenic or benign to our knowledge

NM_182961.4(SYNE1):c.17644C>T (p.Pro5882Ser)

Gene: SYNE1 (spectrin repeat containing nuclear envelope protein 1; minus strand). Cytogenetic location: 6q25.2.
Variant type: single nucleotide variant.
Coding change: c.17644C>T on transcript NM_182961.4 (MANE Select); coding-DNA position 17644, C replaced by T.
Protein change: p.Pro5882Ser; replaces proline 5882 with serine.
Molecular consequence: missense variant.
Genome position (GRCh38, 1-based): chr6:152,300,679, G>A on the plus strand (C>T on the coding strand, the complement: SYNE1 is on the minus strand). VCF-style: chr6-152300679-G-A. GRCh37 (hg19) VCF-style: chr6-152621814-G-A.
Other names: c.17431C>T, p.Pro5811Ser (NM_033071.5); short protein forms P5811S, P5882S.
Identifiers: ClinVar variation 1810641 (VCV001810641.1), dbSNP rs2552081151, ClinGen allele CA366103315.